The following is an entry in ClinVar:

NM_000059.4(BRCA2):c.10035A>G (p.Ala3345=)

Gene: BRCA2 (BRCA2 DNA repair associated; plus strand). Cytogenetic location: 13q13.1.
Variant type: single nucleotide variant.
Coding change: c.10035A>G on transcript NM_000059.4 (MANE Select); coding-DNA position 10035, A replaced by G.
Protein change: p.Ala3345=; no amino-acid change (alanine 3345 retained).
Molecular consequence: synonymous variant.
Genome position (GRCh38, 1-based): chr13:32,398,548, A>G. VCF-style: chr13-32398548-A-G. GRCh37 (hg19) VCF-style: chr13-32972685-A-G.
Identifiers: ClinVar variation 377586 (VCV000377586.14), dbSNP rs1057520252, ClinGen allele CA16607506.

ClinVar aggregate classification (germline): Likely benign. Review status: criteria provided, multiple submitters, no conflicts (2 of 4 stars). 3 submissions from 3 submitters: Likely benign (3). Last evaluated 2024-07-26.

Conditions:
Hereditary cancer-predisposing syndrome. Also called: Hereditary neoplastic syndrome; Hereditary Cancer Syndrome; Neoplastic Syndromes, Hereditary; Tumor predisposition. Identifiers: Orphanet 140162, MedGen C0027672, MeSH D009386, MONDO:0015356.
Hereditary breast ovarian cancer syndrome. Also called: Hereditary breast and ovarian cancer syndrome (HBOC); Hereditary breast and ovarian cancer syndrome; Hereditary breast and ovarian cancer; BRCA1- and BRCA2-Associated Hereditary Breast and Ovarian Cancer; Breast and ovarian cancer; Hereditary breast and/or ovarian cancer syndrome. Identifiers: Orphanet 145, MedGen C0677776, MeSH D061325, MONDO:0003582. Disease mechanism: loss of function.

Allele frequency attached by ClinVar (database versions not stated): gnomAD exomes below 0.00001.
gnomAD v4.1: 4 of 1,614,182 alleles (0.00025%); highest among the groups gnomAD compares: Non-Finnish European, 0.00034%; no homozygotes.

Submissions (3):

Labcorp Genetics (formerly Invitae), Labcorp
Classification: Likely benign for Hereditary breast ovarian cancer syndrome. Last evaluated: 2024-07-26. Review status: criteria provided, single submitter. Criteria: Invitae Variant Classification Sherloc (09022015). Collection method: clinical testing. Allele origin: germline.

Ambry Genetics
Classification: Likely benign for Hereditary cancer-predisposing syndrome. Last evaluated: 2019-09-06. Review status: criteria provided, single submitter. Criteria: Ambry Variant Classification Scheme 2023. Collection method: clinical testing. Allele origin: germline.

GeneDx
Classification: Likely benign. Last evaluated: 2016-06-23. Review status: criteria provided, single submitter. Criteria: GeneDx Variant Classification (06012015). Collection method: clinical testing. Allele origin: germline. Affected: yes.
Comment: This variant is considered likely benign or benign based on one or more of the following criteria: it is a conservative change, it occurs at a poorly conserved position in the protein, it is predicted to be benign by multiple in silico algorithms, and/or has population frequency not consistent with disease.